The following is an entry in ClinVar:

ClinVar aggregate classification (germline): Likely benign (1 of 4 stars; one submission).

Allele frequency attached by ClinVar (database versions not stated): 1000 Genomes Project 30x 0.00094; 1000 Genomes Project 0.00100; TOPMed 0.00161; gnomAD exomes 0.00210; ExAC 0.00214; ESP Exome Variant Server 0.00215; gnomAD 0.00215.
gnomAD v4.1: 3,399 of 1,613,856 alleles (0.21%); highest among the groups gnomAD compares: Non-Finnish European, 0.23%; 9 homozygotes.

Submission:

CeGaT Center for Human Genetics Tuebingen
Classification: Likely benign. Last evaluated: 2024-02-01. Review status: criteria provided, single submitter. Criteria: CeGaT Center For Human Genetics Tuebingen Variant Classification Criteria Version 2. Collection method: clinical testing. Allele origin: germline. Affected: yes. Observed: 3 variant alleles.
Comment: RIMBP2: BP4, BP7

NM_001393629.1(RIMBP2):c.1464G>A (p.Glu488=)

Gene: RIMBP2 (RIMS binding protein 2; minus strand). Cytogenetic location: 12q24.33.
Variant type: single nucleotide variant.
Coding change: c.1464G>A on transcript NM_001393629.1 (MANE Select); coding-DNA position 1464, G replaced by A.
Protein change: p.Glu488=; no amino-acid change (glutamic acid 488 retained).
Molecular consequence: synonymous variant.
Genome position (GRCh38, 1-based): chr12:130,441,888, C>T on the plus strand (G>A on the coding strand, the complement: RIMBP2 is on the minus strand). VCF-style: chr12-130441888-C-T. GRCh37 (hg19) VCF-style: chr12-130926433-C-T.
Other names: c.1464G>A, p.Glu488= (NM_001351226.2, NM_001351227.2, NM_001351228.2 and 19 more transcripts); c.1137G>A, p.Glu379= (NM_001351233.2); c.1413G>A, p.Glu471= (NM_015347.5).
Identifiers: ClinVar variation 2643592 (VCV002643592.24), dbSNP rs143237813, ClinGen allele CA6878300.
Genomic context (GRCh38, chr12:130,441,888, plus strand): 5'-CGGAAGGACACAGGGCTCACCTGCAGGCAACGTGGAGAACTCCACAAAGGCCTCCTTCTT[C>T]TCCCTTTGCTCCAGCGGGAGCTGCCACGGCATCTGGTGGGGTTTGGCCAGAACCTTCACC-3'
Protein context (NP_001380558.1, residues 478-498): MPWQLPLEQR[Glu488=]KKEAFVEFST